The following is an entry in ClinVar:

NM_014336.5(AIPL1):c.854C>A (p.Ala285Glu)

Gene: AIPL1 (AIP like 1 HSP90 co-chaperone; minus strand). Cytogenetic location: 17p13.2.
Variant type: single nucleotide variant.
Coding change: c.854C>A on transcript NM_014336.5 (MANE Select); coding-DNA position 854, C replaced by A.
Protein change: p.Ala285Glu; replaces alanine 285 with glutamic acid.
Molecular consequence: missense variant. On other transcripts: 3 prime UTR variant (1).
Genome position (GRCh38, 1-based): chr17:6,425,761, G>T on the plus strand (C>A on the coding strand, the complement: AIPL1 is on the minus strand). VCF-style: chr17-6425761-G-T. GRCh37 (hg19) VCF-style: chr17-6329081-G-T.
Other names: c.665C>A, p.Ala222Glu (NM_001033054.3); c.674C>A, p.Ala225Glu (NM_001033055.3); c.818C>A, p.Ala273Glu (NM_001285399.3); c.788C>A, p.Ala263Glu (NM_001285400.3); c.782C>A, p.Ala261Glu (NM_001285401.3); c.737C>A, p.Ala246Glu (NM_001285402.2); c.*825C>A (NM_001285403.4); short protein forms A222E, A261E, A273E, A263E, A225E, A246E, A285E.
Identifiers: ClinVar variation 715080 (VCV000715080.6), dbSNP rs148543951, ClinGen allele CA8328368.

ClinVar aggregate classification (germline): Benign/Likely benign. Review status: criteria provided, multiple submitters, no conflicts (2 of 4 stars). 3 submissions from 3 submitters: Benign (1); Likely benign (1). 1 of the submissions does not count toward it. Last evaluated 2023-11-20.

Conditions:
AIPL1-related disorder. Also called: AIPL1-related disorders; AIPL1-related condition. Identifiers: MedGen CN239169.
Leber congenital amaurosis 4 (LCA4). Identifiers: MedGen C1858386, MONDO:0011458, OMIM 604393.

Allele frequency attached by ClinVar (database versions not stated): gnomAD exomes 0.00020; ExAC 0.00031; 1000 Genomes Project 30x 0.00062; 1000 Genomes Project 0.00080; gnomAD 0.00114 and 0.00119; ESP Exome Variant Server 0.00123; TOPMed 0.00143.

Submissions (3):

Blueprint Genetics
Classification: Likely benign. Last evaluated: 2023-11-20. Review status: criteria provided, single submitter. Criteria: ACMG Guidelines, 2015. Collection method: clinical testing. Allele origin: germline.

Labcorp Genetics (formerly Invitae), Labcorp
Classification: Benign for Leber congenital amaurosis 4. Last evaluated: 2019-12-31. Review status: criteria provided, single submitter. Criteria: Invitae Variant Classification Sherloc (09022015). Collection method: clinical testing. Allele origin: germline.

PreventionGenetics, part of Exact Sciences
Classification: Likely benign for AIPL1-related condition. Last evaluated: 2024-06-26. Review status: no assertion criteria provided. Collection method: clinical testing. Allele origin: germline. Not counted in ClinVar's aggregate classification.
Comment: This variant is classified as likely benign based on ACMG/AMP sequence variant interpretation guidelines (Richards et al. 2015 PMID: 25741868, with internal and published modifications).